The following is an entry in ClinVar:

NM_014946.4(SPAST):c.1724_1725insGCCGGGCGCGGTGGCTCACGCCTGTAATCCCAGCACTTTGGGAGGCCGAGGCGGGCGGATCACGAGGTCANNNNNNNNNNNNAAAAAAAAAAAAAAAAAAGAATATGTCTGCCAG (p.Ser575fs)

Gene: SPAST (spastin; plus strand). Cytogenetic location: 2p22.3.
Variant type: Insertion.
Coding change: c.1724_1725insGCCGGGCGCGGTGGCTCACGCCTGTAATCCCAGCACTTTGGGAGGCCGAGGCGGGCGGATCACGAGGTCANNNNNNNNNNNNAAAAAAAAAAAAAAAAAAGAATATGTCTGCCAG on transcript NM_014946.4 (MANE Select); coding-DNA positions 1724 to 1725, GCCGGGCGCGGTGGCTCACGCCTGTAATCCCAGCACTTTGGGAGGCCGAGGCGGGCGGATCACGAGGTCANNNNNNNNNNNNAAAAAAAAAAAAAAAAAAGAATATGTCTGCCAG inserted.
Protein change: p.Ser575fs; shifts the reading frame from serine 575.
Genome position: GRCh38: chr2:32,147,254-32,147,255. GRCh37 (hg19): chr2:32,372,323-32,372,324.
Other names: c.1721_1722insGCCGGGCGCGGTGGCTCACGCCTGTAATCCCAGCACTTTGGGAGGCCGAGGCGGGCGGATCACGAGGTCANNNNNNNNNNNNAAAAAAAAAAAAAAAAAAGAATATGTCTGCCAG, p.Ser574fs (NM_001363823.2); c.1625_1626insGCCGGGCGCGGTGGCTCACGCCTGTAATCCCAGCACTTTGGGAGGCCGAGGCGGGCGGATCACGAGGTCANNNNNNNNNNNNAAAAAAAAAAAAAAAAAAGAATATGTCTGCCAG, p.Ser542fs (NM_001363875.2); c.1557_1558insGCCGGGCGCGGTGGCTCACGCCTGTAATCCCAGCACTTTGGGAGGCCGAGGCGGGCGGATCACGAGGTCANNNNNNNNNNNNAAAAAAAAAAAAAAAAAAGAATATGTCTGCCAG, p.*520Alaext*8 (NM_001377959.1); c.1628_1629insGCCGGGCGCGGTGGCTCACGCCTGTAATCCCAGCACTTTGGGAGGCCGAGGCGGGCGGATCACGAGGTCANNNNNNNNNNNNAAAAAAAAAAAAAAAAAAGAATATGTCTGCCAG, p.Ser543fs (NM_199436.2); short protein forms S542fs, S543fs, S574fs, S575fs.
Identifiers: ClinVar variation 1065986 (VCV001065986.9), dbSNP rs2148762802.

ClinVar aggregate classification (germline): Pathogenic (1 of 4 stars; one submission).

Conditions:
Hereditary spastic paraplegia 4. Also called: Spastic paraplegia 4, autosomal dominant; Spastic Paraplegia 4; Familial spastic paraplegia autosomal dominant 2. Identifiers: Orphanet 100985, MedGen C1866855, MONDO:0008438, OMIM 182601.

Submission:

Labcorp Genetics (formerly Invitae), Labcorp
Classification: Pathogenic for Hereditary spastic paraplegia 4. Last evaluated: 2024-10-01. Review status: criteria provided, single submitter. Criteria: Invitae Variant Classification Sherloc (09022015). Collection method: clinical testing. Allele origin: germline.
Comment: This sequence change inserts a large fragment of DNA, likely a transposable element, in exon 16 of the SPAST gene (c.1724_1725insAlu), causing a frameshift at codon 575 (p.Ser575fs). The exact size and sequence of the insertion cannot be determined by the current assay. However, the insertion is expected to result in an absent or disrupted protein product. This variant is not present in population databases (gnomAD no frequency). A similar variant has been observed in individual(s) with hereditary spastic paraplegia (internal data). ClinVar contains an entry for this variant (Variation ID: 1065986). This variant disrupts a region of the SPAST protein in which other variant(s) (p.Thr615Ile) have been determined to be pathogenic (PMID: 12124993; internal data). This suggests that this is a clinically significant region of the protein, and that variants that disrupt it are likely to be disease-causing. Retrotransposon insertions including LINE1 (L1), Alu, and SVA (SINE-VNTR-Alu) have been reported to disrupt protein function (PMID: 19763152, 20307669, 22406018). However the effect of this particular variant is unknown. For these reasons, this variant has been classified as Pathogenic.

Literature cited by the submitters: PubMed 12124993; PubMed 19763152; PubMed 20307669; PubMed 22406018.